The following is an entry in ClinVar:

NM_001161352.2(KCNMA1):c.378+322G>T

Gene: KCNMA1 (potassium calcium-activated channel subfamily M alpha 1; minus strand). Cytogenetic location: 10q22.3.
Variant type: single nucleotide variant.
Coding change: c.378+322G>T on transcript NM_001161352.2 (MANE Select); 322 bases into the intron after coding-DNA position 378, G replaced by T.
Molecular consequence: intron variant. On other transcripts: missense variant (2).
Genome position (GRCh38, 1-based): chr10:77,636,943, C>A on the plus strand (G>T on the coding strand, the complement: KCNMA1 is on the minus strand). VCF-style: chr10-77636943-C-A. GRCh37 (hg19) VCF-style: chr10-79396701-C-A.
Other names: c.442G>T, p.Gly148Trp (NM_001271520.2, NM_001322839.2); c.378+322G>T (NM_001271518.2, NM_001322832.2, NM_001410940.1 and 11 more transcripts); short protein forms G148W.
Identifiers: ClinVar variation 3345212 (VCV003345212.1).

ClinVar aggregate classification (germline): Uncertain significance (0 of 4 stars; one submission).

Conditions:
KCNMA1-related disorder. Also called: KCNMA1-related disorders; KCNMA1-related condition.

gnomAD v4.1: 11 of 1,418,580 alleles (0.00078%); highest among the groups gnomAD compares: Admixed American, 0.0032%; no homozygotes.

Submission:

PreventionGenetics, part of Exact Sciences
Classification: Uncertain significance for KCNMA1-related condition. Last evaluated: 2024-07-03. Review status: no assertion criteria provided. Collection method: clinical testing. Allele origin: germline.
Comment: The KCNMA1 c.442G>T variant is predicted to result in the amino acid substitution p.Gly148Trp. To our knowledge, this variant has not been reported in the literature or in a large population database, indicating this variant is rare. At this time, the clinical significance of this variant is uncertain due to the absence of conclusive functional and genetic evidence.